The following is an entry in ClinVar:

ClinVar aggregate classification (germline): Pathogenic (1 of 4 stars; one submission).

Conditions:
Renal carnitine transport defect (CDSP). Also called: Primary carnitine deficiency; CARNITINE DEFICIENCY, SYSTEMIC, DUE TO DEFECT IN RENAL REABSORPTION OF CARNITINE; CARNITINE TRANSPORTER, PLASMA-MEMBRANE, DEFICIENCY OF; CARNITINE UPTAKE DEFECT; Systemic primary carnitine deficiency disease; Carnitine transporter deficiency. Identifiers: Orphanet 158, MedGen C0342788, MONDO:0008919, OMIM 212140.

Submission:

Labcorp Genetics (formerly Invitae), Labcorp
Classification: Pathogenic for Renal carnitine transport defect. Last evaluated: 2019-06-03. Review status: criteria provided, single submitter. Criteria: Invitae Variant Classification Sherloc (09022015). Collection method: clinical testing. Allele origin: germline.
Comment: A gross deletion of the genomic region encompassing the full coding sequence of the SLC22A5 gene has been identified. The boundaries of this event are unknown as the deletion extends beyond the assayed region for this gene and therefore may encompass additional genes. This variant has been observed in an individual with clinical features of primary carnitine deficiency (PMID: 20574985). Loss-of-function variants in SLC22A5 are known to be pathogenic (PMID: 9916797). For these reasons, this variant has been classified as Pathogenic.

Literature cited by the submitters: PubMed 20574985.

NC_000005.9:g.(?_131436897)_(131729974_?)del

Genes: SLC22A4 (solute carrier family 22 member 4; plus strand), P4HA2 (prolyl 4-hydroxylase subunit alpha 2; minus strand), PDLIM4 (PDZ and LIM domain 4; plus strand), SLC22A5 (solute carrier family 22 member 5; plus strand). Cytogenetic location: 5q31.1.
Variant type: Deletion.
Identifiers: ClinVar variation 832924 (VCV000832924.1).